The following is an entry in ClinVar:

ClinVar aggregate classification (germline): Uncertain significance. Review status: criteria provided, multiple submitters, no conflicts (2 of 4 stars). 2 submissions from 2 submitters: Uncertain significance (2). Last evaluated 2024-09-01.

Conditions:
Hereditary cancer-predisposing syndrome. Also called: Tumor predisposition; Hereditary neoplastic syndrome; Hereditary Cancer Syndrome; Neoplastic Syndromes, Hereditary. Identifiers: Orphanet 140162, MedGen C0027672, MeSH D009386, MONDO:0015356.
Tumor predisposition syndrome 3 (TPDS3). Also called: LONG TELOMERE SYNDROME, POT1-RELATED; POT1 Tumor Predisposition; Melanoma, cutaneous malignant, susceptibility to, 10; Glioma susceptibility 9. Identifiers: Orphanet 618, MedGen C4014476, MONDO:0014368, OMIM 615848.

Submissions (2):

Ambry Genetics
Classification: Uncertain significance for Hereditary cancer-predisposing syndrome. Last evaluated: 2024-09-01. Review status: criteria provided, single submitter. Criteria: Ambry Variant Classification Scheme 2023. Collection method: clinical testing. Allele origin: germline.
Comment: The p.V133G variant (also known as c.398T>G), located in coding exon 4 of the POT1 gene, results from a T to G substitution at nucleotide position 398. The valine at codon 133 is replaced by glycine, an amino acid with dissimilar properties. This amino acid position is conserved. In addition, this alteration is predicted to be deleterious by in silico analysis. Based on the available evidence, the clinical significance of this variant remains unclear.

Labcorp Genetics (formerly Invitae), Labcorp
Classification: Uncertain significance for Tumor predisposition syndrome 3. Last evaluated: 2022-12-16. Review status: criteria provided, single submitter. Criteria: Invitae Variant Classification Sherloc (09022015). Collection method: clinical testing. Allele origin: germline.
Comment: This sequence change replaces valine, which is neutral and non-polar, with glycine, which is neutral and non-polar, at codon 133 of the POT1 protein (p.Val133Gly). This variant is not present in population databases (gnomAD no frequency). This variant has not been reported in the literature in individuals affected with POT1-related conditions. Advanced modeling of protein sequence and biophysical properties (such as structural, functional, and spatial information, amino acid conservation, physicochemical variation, residue mobility, and thermodynamic stability) performed at Invitae indicates that this missense variant is not expected to disrupt POT1 protein function. In summary, the available evidence is currently insufficient to determine the role of this variant in disease. Therefore, it has been classified as a Variant of Uncertain Significance.

NM_015450.3(POT1):c.398T>G (p.Val133Gly)

Gene: POT1 (protection of telomeres 1; minus strand). Cytogenetic location: 7q31.33.
Variant type: single nucleotide variant.
Coding change: c.398T>G on transcript NM_015450.3 (MANE Select); coding-DNA position 398, T replaced by G.
Protein change: p.Val133Gly; replaces valine 133 with glycine.
Molecular consequence: missense variant. On other transcripts: non-coding transcript variant (3).
Genome position (GRCh38, 1-based): chr7:124,863,498, A>C on the plus strand (T>G on the coding strand, the complement: POT1 is on the minus strand). VCF-style: chr7-124863498-A-C. GRCh37 (hg19) VCF-style: chr7-124503552-A-C.
Other names: c.398T>G (NM_015450.2); c.5T>G, p.Val2Gly (NM_001042594.2); short protein forms V2G, V133G.
Identifiers: ClinVar variation 2894868 (VCV002894868.4), dbSNP rs2485480485, ClinGen allele CA369059548.